The following is an entry in ClinVar:

ClinVar aggregate classification (germline): Conflicting classifications of pathogenicity. Review status: criteria provided, conflicting classifications (1 of 4 stars). 3 submissions from 3 submitters: Uncertain significance (1); Likely benign (2). Last evaluated 2025-10-08.

Allele frequency attached by ClinVar (database versions not stated): ExAC 0.00007; gnomAD exomes 0.00007 and 0.00008.
gnomAD v4.1: 103 of 1,614,030 alleles (0.0064%); highest among the groups gnomAD compares: Middle Eastern, 0.033%; no homozygotes.

Submissions (3):

Labcorp Genetics (formerly Invitae), Labcorp
Classification: Likely benign. Last evaluated: 2025-10-08. Review status: criteria provided, single submitter. Criteria: Invitae Variant Classification Sherloc (09022015). Collection method: clinical testing. Allele origin: germline.

Mayo Clinic Laboratories, Mayo Clinic
Classification: Uncertain significance. Last evaluated: 2025-05-19. Review status: criteria provided, single submitter. Criteria: ACMG Guidelines, 2015. Collection method: clinical testing. Allele origin: germline. Observed: 1 variant allele.
Comment: BP4_moderate

Blueprint Genetics
Classification: Likely benign. Last evaluated: 2024-09-24. Review status: criteria provided, single submitter. Criteria: ACMG Guidelines, 2015. Collection method: clinical testing. Allele origin: germline.

NM_001363711.2(DUOX2):c.1987A>G (p.Ile663Val)

Gene: DUOX2 (dual oxidase 2; minus strand). Cytogenetic location: 15q21.1.
Variant type: single nucleotide variant.
Coding change: c.1987A>G on transcript NM_001363711.2 (MANE Select); coding-DNA position 1987, A replaced by G.
Protein change: p.Ile663Val; replaces isoleucine 663 with valine.
Molecular consequence: missense variant.
Genome position (GRCh38, 1-based): chr15:45,106,286, T>C on the plus strand (A>G on the coding strand, the complement: DUOX2 is on the minus strand). VCF-style: chr15-45106286-T-C. GRCh37 (hg19) VCF-style: chr15-45398484-T-C.
Other names: p.Ile663Val; c.1987A>G, p.Ile663Val (NM_014080.5); c.1987A>G (NM_014080.4); short protein forms I663V.
Identifiers: ClinVar variation 1125925 (VCV001125925.11), dbSNP rs766411890, ClinGen allele CA7538410.
Genomic context (GRCh38, chr15:45,106,286, plus strand): 5'-GGAGCACAGTGAGATGCCTGTTCAGGACCTGCAGACACCTGTCTGACAGCAGCTGGATGA[T>C]GATGGGACTGCTCCTCTCCTTGGGGCCTGGCCACTCCATCGCTGGGGAAGGGATAATTGG-3'
Protein context (NP_001350640.1, residues 653-673): PGPKERSSPI[Ile663Val]IQLLSDRCLQ